The following is an entry in ClinVar:

ClinVar aggregate classification (germline): Uncertain significance (1 of 4 stars; one submission).

Conditions:
Tumor predisposition syndrome 3 (TPDS3). Also called: Melanoma, cutaneous malignant, susceptibility to, 10; Glioma susceptibility 9; LONG TELOMERE SYNDROME, POT1-RELATED; POT1 Tumor Predisposition. Identifiers: Orphanet 618, MedGen C4014476, MONDO:0014368, OMIM 615848.

Allele frequency attached by ClinVar (database versions not stated): gnomAD exomes below 0.00001.
gnomAD v4.1: 1 of 1,558,684 alleles (0.000064%); highest among the groups gnomAD compares: East Asian, 0.0023%; no homozygotes.

Submission:

Labcorp Genetics (formerly Invitae), Labcorp
Classification: Uncertain significance for Tumor predisposition syndrome 3. Last evaluated: 2024-03-06. Review status: criteria provided, single submitter. Criteria: Invitae Variant Classification Sherloc (09022015). Collection method: clinical testing. Allele origin: germline.
Comment: This sequence change replaces isoleucine, which is neutral and non-polar, with methionine, which is neutral and non-polar, at codon 634 of the POT1 protein (p.Ile634Met). This variant is not present in population databases (gnomAD no frequency). This variant has not been reported in the literature in individuals affected with POT1-related conditions. ClinVar contains an entry for this variant (Variation ID: 2016288). An algorithm developed to predict the effect of missense changes on protein structure and function (PolyPhen-2) suggests that this variant is likely to be tolerated. Algorithms developed to predict the effect of sequence changes on RNA splicing suggest that this variant may create or strengthen a splice site. In summary, the available evidence is currently insufficient to determine the role of this variant in disease. Therefore, it has been classified as a Variant of Uncertain Significance.

NM_015450.3(POT1):c.1902C>G (p.Ile634Met)

Gene: POT1 (protection of telomeres 1; minus strand). Cytogenetic location: 7q31.33.
Variant type: single nucleotide variant.
Coding change: c.1902C>G on transcript NM_015450.3 (MANE Select); coding-DNA position 1902, C replaced by G.
Protein change: p.Ile634Met; replaces isoleucine 634 with methionine.
Molecular consequence: missense variant. On other transcripts: non-coding transcript variant (3).
Genome position (GRCh38, 1-based): chr7:124,823,965, G>C on the plus strand (C>G on the coding strand, the complement: POT1 is on the minus strand). VCF-style: chr7-124823965-G-C. GRCh37 (hg19) VCF-style: chr7-124464019-G-C.
Other names: c.1509C>G, p.Ile503Met (NM_001042594.2); short protein forms I634M, I503M.
Identifiers: ClinVar variation 2016288 (VCV002016288.4), dbSNP rs1584745478, ClinGen allele CA369061049.